The following is an entry in ClinVar:

ClinVar aggregate classification (germline): Likely pathogenic (1 of 4 stars; one submission).

Submission:

GeneDx
Classification: Likely pathogenic. Last evaluated: 2025-02-11. Review status: criteria provided, single submitter. Criteria: GeneDx Variant Classification Process June 2021. Collection method: clinical testing. Allele origin: germline. Affected: yes.
Comment: Intronic variant directly or indirectly altering the +5 splice site in a gene for which loss of function is a known mechanism of disease, and splice predictors support a deleterious effect; Not observed at significant frequency in large population cohorts (gnomAD); This variant is associated with the following publications: (PMID: 23496044)

NM_000213.5(ITGB4):c.566+3_566+6del

Gene: ITGB4 (integrin subunit beta 4; plus strand). Cytogenetic location: 17q25.1.
Variant type: Microsatellite.
Coding change: c.566+3_566+6del on transcript NM_000213.5 (MANE Select); bases 3 to 6 of the intron after coding-DNA position 566, 4 bases deleted (AAGT; older notation c.566+3_566+6delAAGT).
Molecular consequence: splice donor variant.
Genome position (GRCh38, 1-based): chr17:75,728,476-75,728,479, AAGT deleted; deleting any 4 consecutive bases within chr17:75,728,472-75,728,479 gives the same sequence; the c. name uses the placement nearest the transcript's 3' end. VCF-style (leftmost placement, unchanged base first): chr17-75728471-GAAGT-G. GRCh37 (hg19) VCF-style: chr17-73724552-GAAGT-G.
Other names: c.566+3_566+6del (NM_001005619.2, NM_001005731.3, NM_001438834.1 and 1 more transcripts).
Identifiers: ClinVar variation 4075462 (VCV004075462.1).
Genomic context (GRCh38, chr17:75,728,471, plus strand): 5'-TATTGGATTTGGCAAGTTTGTGGACAAAGTCAGCGTCCCGCAGACGGACATGAGGCCTGA[GAAGT>G]AAGTGACTGTGTGGGTCCCGCAGGTGGGCAAGGGTCCAGGCCATGTGACCCCCACTCCTC-3'